The following is an entry in ClinVar:

ClinVar aggregate classification (germline): Pathogenic (1 of 4 stars; one submission).

Conditions:
X-linked Alport syndrome (ATS1). Also called: COL4A5-Related Nephropathy; NEPHROPATHY AND DEAFNESS, X-LINKED. Identifiers: Orphanet 63, Orphanet 88917, MedGen C4746986, MONDO:0010520, OMIM 301050.

Submission:

MVZ Medizinische Genetik Mainz
Classification: Pathogenic for X-linked Alport syndrome. Last evaluated: 2021-10-14. Review status: criteria provided, single submitter. Criteria: UK Practice Guidelines For Variant Classification V4 01 2020. Collection method: clinical testing. Allele origin: germline. Inheritance: Unknown mechanism. Affected: yes. Observed: 1 variant allele.
Comment: ACMG Criteria: PVS1, PM2_SUP, PP4 (ACMG Version 3)

NM_033380.3(COL4A5):c.3553+2T>C

Gene: COL4A5 (collagen type IV alpha 5 chain; plus strand). Cytogenetic location: Xq22.3.
Variant type: single nucleotide variant.
Coding change: c.3553+2T>C on transcript NM_033380.3 (MANE Select); the canonical splice donor site of the intron after coding-DNA position 3553, T replaced by C.
Molecular consequence: splice donor variant.
Genome position (GRCh38, 1-based): chrX:108,666,596, T>C. VCF-style: chrX-108666596-T-C. GRCh37 (hg19) VCF-style: chrX-107909826-T-C.
Other names: c.3553+2T>C (NM_000495.5).
Identifiers: ClinVar variation 3066356 (VCV003066356.1), dbSNP rs2524567510, ClinGen allele CA413847950.